The following is an entry in ClinVar:

ClinVar aggregate classification (germline): Uncertain significance. Review status: criteria provided, multiple submitters, no conflicts (2 of 4 stars). 2 submissions from 2 submitters: Uncertain significance (2). Last evaluated 2022-09-16.

Conditions:
Breast and/or ovarian cancer. Identifiers: MedGen CN221562.
Hereditary cancer-predisposing syndrome. Also called: Hereditary Cancer Syndrome; Hereditary neoplastic syndrome; Neoplastic Syndromes, Hereditary; Tumor predisposition. Identifiers: Orphanet 140162, MedGen C0027672, MeSH D009386, MONDO:0015356.

Submissions (2):

CHEO Genetics Diagnostic Laboratory, Children's Hospital of Eastern Ontario
Classification: Uncertain significance for Breast and/or ovarian cancer. Last evaluated: 2022-09-16. Review status: criteria provided, single submitter. Criteria: ACMG Guidelines, 2015. Collection method: clinical testing. Allele origin: germline.

Ambry Genetics
Classification: Uncertain significance for Hereditary cancer-predisposing syndrome. Last evaluated: 2021-09-10. Review status: criteria provided, single submitter. Criteria: Ambry Variant Classification Scheme 2023. Collection method: clinical testing. Allele origin: germline.
Comment: The p.Y318H variant (also known as c.952T>C), located in coding exon 9 of the PMS2 gene, results from a T to C substitution at nucleotide position 952. The tyrosine at codon 318 is replaced by histidine, an amino acid with similar properties. This amino acid position is highly conserved in available vertebrate species. In addition, the in silico prediction for this alteration is inconclusive. Since supporting evidence is limited at this time, the clinical significance of this alteration remains unclear.

NM_000535.7(PMS2):c.952T>C (p.Tyr318His)

Gene: PMS2 (PMS1 homolog 2, mismatch repair system component; minus strand). Cytogenetic location: 7p22.1.
Variant type: single nucleotide variant.
Coding change: c.952T>C on transcript NM_000535.7 (MANE Select); coding-DNA position 952, T replaced by C.
Protein change: p.Tyr318His; replaces tyrosine 318 with histidine.
Molecular consequence: missense variant. On other transcripts: non-coding transcript variant (1).
Genome position (GRCh38, 1-based): chr7:5,992,009, A>G on the plus strand (T>C on the coding strand, the complement: PMS2 is on the minus strand). VCF-style: chr7-5992009-A-G. GRCh37 (hg19) VCF-style: chr7-6031640-A-G.
Other names: c.547T>C, p.Tyr183His (NM_001406890.1, NM_001406892.1, NM_001406894.1 and 20 more transcripts); c.952T>C, p.Tyr318His (NM_001322006.2, NM_001322014.2, NM_001406870.1 and 2 more transcripts); c.634T>C, p.Tyr212His (NM_001322007.2, NM_001322008.2, NM_001406876.1 and 4 more transcripts); c.19T>C, p.Tyr7His (NM_001322011.2, NM_001322012.2); c.379T>C, p.Tyr127His (NM_001322013.2, NM_001406909.1); c.643T>C, p.Tyr215His (NM_001322015.2, NM_001406875.1, NM_001406877.1 and 6 more transcripts); c.1138T>C, p.Tyr380His (NM_001406866.1); c.976T>C, p.Tyr326His (NM_001406868.1); and 8 more; short protein forms Y147H, Y183H, Y212H, Y252H, Y206H, Y215H, Y326H, Y380H.
Identifiers: ClinVar variation 1767291 (VCV001767291.3), dbSNP rs2128755521, ClinGen allele CA366743129.